The following is an entry in ClinVar:

NM_000419.5(ITGA2B):c.1043G>A (p.Arg348Gln)

Gene: ITGA2B (integrin subunit alpha 2b; minus strand). Cytogenetic location: 17q21.31.
Variant type: single nucleotide variant.
Coding change: c.1043G>A on transcript NM_000419.5 (MANE Select); coding-DNA position 1043, G replaced by A.
Protein change: p.Arg348Gln; replaces arginine 348 with glutamine.
Molecular consequence: missense variant.
Genome position (GRCh38, 1-based): chr17:44,383,660, C>T on the plus strand (G>A on the coding strand, the complement: ITGA2B is on the minus strand). VCF-style: chr17-44383660-C-T. GRCh37 (hg19) VCF-style: chr17-42461028-C-T.
Other names: c.1043G>A (LRG_479t1); short protein forms R348Q.
Identifiers: ClinVar variation 417956 (VCV000417956.5), dbSNP rs1060499614, ClinGen allele CA16616933.

ClinVar aggregate classification (germline): Uncertain significance. Review status: reviewed by expert panel (3 of 4 stars). 2 submissions from 2 submitters: Uncertain significance (1). 1 of the submissions does not count toward it. Last evaluated 2023-08-15.

Conditions:
Glanzmann thrombasthenia. Also called: BLEEDING DISORDER, PLATELET-TYPE, 2; THROMBASTHENIA OF GLANZMANN AND NAEGELI; PLATELET GLYCOPROTEIN IIb-IIIa DEFICIENCY; Glanzmann's thrombasthenia; Thrombasthenia. Identifiers: Orphanet 849, MedGen C0040015, MONDO:0100326.
Platelet-type bleeding disorder 16 (BDPLT16). Also called: Bleeding disorder, platelet-type, 16, autosomal dominant. Identifiers: Orphanet 140957, MedGen C5442010, MONDO:0008552, OMIM 187800.

Allele frequency attached by ClinVar (database versions not stated): gnomAD exomes 0.00001; TOPMed 0.00001.

Submissions (2):

ClinGen Platelet Disorders Variant Curation Expert Panel, ClinGen
Classification: Uncertain significance for Glanzmann thrombasthenia. Last evaluated: 2023-08-15. Review status: reviewed by expert panel. Criteria: ClinGen Platelet ACMG Specifications v2-1. Collection method: curation. Allele origin: germline. Inheritance: Autosomal recessive inheritance.
Comment: The NM_000419.5(ITGA2B):c.1043G>A (p.Arg348Gln) missense variant is not currently reported in any individuals in the literature, to the best of our knowledge. It is at an extremely low frequency (below the <1/10,000 threshold) with an overall allele frequency from gnomADv2.1.1 of 0.000009297 and a MAF of 0.00007458 (2/26,818 alleles) in the South Asian population (PM2_supporting). REVEL predicts no significant impact of this variant with a score 0.118 (below the <0.25 threshold; BP4). In summary, this variant meets the criteria to be classified as variant of uncertain significance for autosomal recessive Glanzmann Thrombasthenia based on the ACMG/AMP criteria applied, as specified by the ClinGen PD VCEP: PM2_Supporting, BP4 (PD VCEP specifications version 2.1).

Division of Human Genetics, Children's Hospital of Philadelphia
Classification: Uncertain significance for Platelet-type bleeding disorder 16; Glanzmann thrombasthenia 1. Last evaluated: 2016-08-06. Review status: no assertion criteria provided. Collection method: research. Allele origin: paternal. Affected: yes. Study: CSER-PediSeq. Not counted in ClinVar's aggregate classification.